The following is an entry in ClinVar:

ClinVar aggregate classification (germline): Uncertain significance. Review status: criteria provided, multiple submitters, no conflicts (2 of 4 stars). 3 submissions from 3 submitters: Uncertain significance (3). Last evaluated 2025-12-15.

Allele frequency attached by ClinVar (database versions not stated): ExAC 0.00008; gnomAD exomes 0.00008; ESP Exome Variant Server 0.00031; gnomAD 0.00036 and 0.00039; 1000 Genomes Project 0.00040; TOPMed 0.00045.
gnomAD v4.1: 107 of 1,613,952 alleles (0.0066%); highest among the groups gnomAD compares: African/African-American, 0.12%; no homozygotes.

Submissions (3):

Labcorp Genetics (formerly Invitae), Labcorp
Classification: Uncertain significance. Last evaluated: 2025-12-15. Review status: criteria provided, single submitter. Criteria: Invitae Variant Classification Sherloc (09022015). Collection method: clinical testing. Allele origin: germline.
Comment: This sequence change replaces alanine, which is neutral and non-polar, with aspartic acid, which is acidic and polar, at codon 550 of the DNM1L protein (p.Ala550Asp). This variant is present in population databases (rs143236486, gnomAD 0.1%). This variant has not been reported in the literature in individuals affected with DNM1L-related conditions. ClinVar contains an entry for this variant (Variation ID: 214315). An algorithm developed to predict the effect of missense changes on protein structure and function (PolyPhen-2) suggests that this variant is likely to be tolerated. In summary, the available evidence is currently insufficient to determine the role of this variant in disease. Therefore, it has been classified as a Variant of Uncertain Significance.

GeneDx
Classification: Uncertain significance. Last evaluated: 2024-04-02. Review status: criteria provided, single submitter. Criteria: GeneDx Variant Classification Process June 2021. Collection method: clinical testing. Allele origin: germline. Affected: yes.
Comment: Has not been previously published as pathogenic or benign to our knowledge; In silico analysis supports that this missense variant does not alter protein structure/function

Revvity Omics, Revvity
Classification: Uncertain significance. Last evaluated: 2021-06-11. Review status: criteria provided, single submitter. Criteria: ACMG Guidelines, 2015. Collection method: clinical testing. Allele origin: germline.

NM_012062.5(DNM1L):c.1649C>A (p.Ala550Asp)

Gene: DNM1L (dynamin 1 like; plus strand). Cytogenetic location: 12p11.21.
Variant type: single nucleotide variant.
Coding change: c.1649C>A on transcript NM_012062.5 (MANE Select); coding-DNA position 1649, C replaced by A.
Protein change: p.Ala550Asp; replaces alanine 550 with aspartic acid.
Molecular consequence: missense variant. On other transcripts: intron variant (3).
Genome position (GRCh38, 1-based): chr12:32,737,917, C>A. VCF-style: chr12-32737917-C-A. GRCh37 (hg19) VCF-style: chr12-32890851-C-A.
Other names: p.A550D:GCT>GAT; c.1649C>A, p.Ala550Asp (NM_001278463.2); c.1688C>A, p.Ala563Asp (NM_001278464.2, NM_001278465.2); c.1040C>A, p.Ala347Asp (NM_001278466.2); c.1635+756C>A (NM_001330380.2); c.1597-347C>A (NM_012063.4); c.1596+756C>A (NM_005690.5); short protein forms A550D, A347D, A563D.
Identifiers: ClinVar variation 214315 (VCV000214315.10), dbSNP rs143236486, ClinGen allele CA323075.
Genomic context (GRCh38, chr12:32,737,917, plus strand): 5'-GCCTTTAGTCTTCTAAAGTTCCAAGTGCTTTGGCACCTGCCTCCCAGGAGCCCTCCCCCG[C>A]TGCTTCTGCTGAGGCTGATGGCAAGGTCTGTTCTGATTCTTAATCTAAGCCTGCATGCCT-3'
Protein context (NP_036192.2, residues 540-560): LAPASQEPSP[Ala550Asp]ASAEADGKLI